The following is an entry in ClinVar:

ClinVar aggregate classification (germline): Uncertain significance (1 of 4 stars; one submission).

Allele frequency attached by ClinVar (database versions not stated): gnomAD exomes below 0.00001; TOPMed below 0.00001; ExAC 0.00001.
gnomAD v4.1: 6 of 1,613,072 alleles (0.00037%); highest among the groups gnomAD compares: Non-Finnish European, 0.00051%; no homozygotes.

Submission:

Labcorp Genetics (formerly Invitae), Labcorp
Classification: Uncertain significance. Last evaluated: 2023-11-24. Review status: criteria provided, single submitter. Criteria: Invitae Variant Classification Sherloc (09022015). Collection method: clinical testing. Allele origin: germline.
Comment: This sequence change replaces valine, which is neutral and non-polar, with glycine, which is neutral and non-polar, at codon 1704 of the COL11A2 protein (p.Val1704Gly). This variant is present in population databases (rs765323674, gnomAD 0.002%). This variant has not been reported in the literature in individuals affected with COL11A2-related conditions. ClinVar contains an entry for this variant (Variation ID: 2142548). Advanced modeling of protein sequence and biophysical properties (such as structural, functional, and spatial information, amino acid conservation, physicochemical variation, residue mobility, and thermodynamic stability) performed at Invitae indicates that this missense variant is not expected to disrupt COL11A2 protein function with a negative predictive value of 95%. In summary, the available evidence is currently insufficient to determine the role of this variant in disease. Therefore, it has been classified as a Variant of Uncertain Significance.

NM_080680.3(COL11A2):c.5111T>G (p.Val1704Gly)

Gene: COL11A2 (collagen type XI alpha 2 chain; minus strand). Cytogenetic location: 6p21.32.
Variant type: single nucleotide variant.
Coding change: c.5111T>G on transcript NM_080680.3 (MANE Select); coding-DNA position 5111, T replaced by G.
Protein change: p.Val1704Gly; replaces valine 1704 with glycine.
Molecular consequence: missense variant.
Genome position (GRCh38, 1-based): chr6:33,163,778, A>C on the plus strand (T>G on the coding strand, the complement: COL11A2 is on the minus strand). VCF-style: chr6-33163778-A-C. GRCh37 (hg19) VCF-style: chr6-33131555-A-C.
Other names: c.4790T>G, p.Val1597Gly (NM_080679.3); c.4853T>G, p.Val1618Gly (NM_080681.3); short protein forms V1597G, V1704G, V1618G.
Identifiers: ClinVar variation 2142548 (VCV002142548.4), dbSNP rs765323674, ClinGen allele CA3749902.
Genomic context (GRCh38, chr6:33,163,778, plus strand): 5'-CGCCTCGGTGGGGCTCCCAGGTCTGAGAAGGAGGCATCCAGCACTGGCAGCTGCTCCAGC[A>C]CAGGCGTTCGCACCTCCAGCACCGTCCGGCCTTGCTGTGTCTTCAGGGGGAGACAAGGAA-3'
Protein context (NP_542411.2, residues 1694-1714): GRTVLEVRTP[Val1704Gly]LEQLPVLDAS